The following is an entry in ClinVar:

ClinVar aggregate classification (germline): Likely pathogenic (1 of 4 stars; one submission).

Conditions:
Mitochondrial DNA depletion syndrome 13. Also called: FBXL4-Related Encephalomyopathic Mitochondrial DNA Depletion Syndrome; Mitochondrial DNA depletion syndrome 13 (encephalomyopathic type). Identifiers: Orphanet 369897, MedGen C3809592, MONDO:0014198, OMIM 615471.

Allele frequency attached by ClinVar (database versions not stated): gnomAD exomes below 0.00001; ExAC 0.00001.

Submission:

Wong Mito Lab, Molecular and Human Genetics, Baylor College of Medicine
Classification: Likely pathogenic for Mitochondrial DNA depletion syndrome 13. Last evaluated: 2017-08-10. Review status: criteria provided, single submitter. Criteria: ACMG Guidelines, 2015. Collection method: reference population. Allele origin: germline.
Comment: The NM_012160.4:c.415_416insTT (NP_036292.2:p.Ala139ValfsTer6) [GRCH38: NC_000006.12:g.98926573_98926574insAA] variant in FBXL4 gene is interpretated to be a Likely Pathogenic based on ACMG guidelines (PMID: 25741868). This variant meets one or more of the following evidence codes reported in the ACMG-guideline. PVS1:This variant is a predcted null variant in FBXL4 where loss of function is a known mechanism of disease. PM2:This variant is absent in key population databases. Based on this evidence code ClinGen Pathogenicity Calculator (PMID:28081714) suggested that the variant is Likely Pathogenic.

NM_001278716.2(FBXL4):c.415_416insTT (p.Ala139fs)

Gene: FBXL4 (F-box and leucine rich repeat protein 4; minus strand). Cytogenetic location: 6q16.2.
Variant type: Insertion.
Coding change: c.415_416insTT on transcript NM_001278716.2 (MANE Select); coding-DNA positions 415 to 416, TT inserted.
Protein change: p.Ala139fs; shifts the reading frame from alanine 139.
Molecular consequence: frameshift variant. On other transcripts: non-coding transcript variant (2).
Genome position: GRCh38 VCF-style: chr6-98926573-G-GAA. GRCh37 (hg19) VCF-style: chr6-99374449-G-GAA.
Other names: c.415_416insTT, p.Ala139fs (NM_012160.5); short protein forms A139fs.
Identifiers: ClinVar variation 437573 (VCV000437573.1), dbSNP rs767543583, ClinGen allele CA3933693.